The following is an entry in ClinVar:

NM_201384.3(PLEC):c.2866C>T (p.Arg956Cys)

Gene: PLEC (plectin; minus strand). Cytogenetic location: 8q24.3.
Variant type: single nucleotide variant.
Coding change: c.2866C>T on transcript NM_201384.3 (MANE Select); coding-DNA position 2866, C replaced by T.
Protein change: p.Arg956Cys; replaces arginine 956 with cysteine.
Molecular consequence: missense variant.
Genome position (GRCh38, 1-based): chr8:143,929,703, G>A on the plus strand (C>T on the coding strand, the complement: PLEC is on the minus strand). VCF-style: chr8-143929703-G-A. GRCh37 (hg19) VCF-style: chr8-145003871-G-A.
Other names: c.2947C>T, p.Arg983Cys (NM_000445.5, NM_001410941.1); c.2824C>T, p.Arg942Cys (NM_201378.4); c.2800C>T, p.Arg934Cys (NM_201379.3); c.3277C>T, p.Arg1093Cys (NM_201380.4); c.2770C>T, p.Arg924Cys (NM_201381.3); c.2866C>T, p.Arg956Cys (NM_201382.4); c.2878C>T, p.Arg960Cys (NM_201383.3); short protein forms R1093C, R924C, R942C, R956C, R983C, R960C, R934C.
Identifiers: ClinVar variation 2142187 (VCV002142187.4), dbSNP rs781887449, ClinGen allele CA4927318.

ClinVar aggregate classification (germline): Uncertain significance (1 of 4 stars; one submission).

Conditions:
Epidermolysis bullosa simplex with nail dystrophy (EBS5D). Identifiers: MedGen C4225309, MONDO:0014661, OMIM 616487.
Epidermolysis bullosa simplex 5C, with pyloric atresia (EBS5C). Also called: Epidermolysis bullosa simplex with pyloric atresia; PLEC-Related Epidermolysis Bullosa with Pyloric Atresia; PLEC1-Related Epidermolysis Bullosa with Pyloric Atresia. Identifiers: Orphanet 158684, MedGen C2677349, MONDO:0012807, OMIM 612138.
Autosomal recessive limb-girdle muscular dystrophy type 2Q (LGMDR17). Also called: MUSCULAR DYSTROPHY, LIMB-GIRDLE, AUTOSOMAL RECESSIVE 17. Identifiers: Orphanet 254361, MedGen C3150989, MONDO:0013390, OMIM 613723.
Epidermolysis bullosa simplex 5B, with muscular dystrophy (EBS5B). Also called: Epidermolysis bullosa simplex with muscular dystrophy; EPIDERMOLYSIS BULLOSA SIMPLEX AND LIMB-GIRDLE MUSCULAR DYSTROPHY. Identifiers: Orphanet 257, MedGen C2931072, MONDO:0009181, OMIM 226670.
Epidermolysis bullosa simplex, Ogna type (EBS5A). Also called: Pidermolysis bullosa simplex 5A, Ogna type; EPIDERMOLYSIS BULLOSA SIMPLEX 5A, OGNA TYPE. Identifiers: Orphanet 79401, MedGen C0432317, MONDO:0007555, OMIM 131950.

Allele frequency attached by ClinVar (database versions not stated): ExAC 0.00001; gnomAD 0.00001.
gnomAD v4.1: 18 of 1,599,414 alleles (0.0011%); highest among the groups gnomAD compares: South Asian, 0.0022%; no homozygotes.

Submission:

Labcorp Genetics (formerly Invitae), Labcorp
Classification: Uncertain significance for Autosomal recessive limb-girdle muscular dystrophy type 2Q; Epidermolysis bullosa simplex, Ogna type; Epidermolysis bullosa simplex with nail dystrophy; Epidermolysis bullosa simplex 5C, with pyloric atresia; Epidermolysis bullosa simplex 5B, with muscular dystrophy. Last evaluated: 2024-07-24. Review status: criteria provided, single submitter. Criteria: Invitae Variant Classification Sherloc (09022015). Collection method: clinical testing. Allele origin: germline.
Comment: This sequence change replaces arginine, which is basic and polar, with cysteine, which is neutral and slightly polar, at codon 983 of the PLEC protein (p.Arg983Cys). The frequency data for this variant in the population databases is considered unreliable, as metrics indicate poor data quality at this position in the gnomAD database. This variant has not been reported in the literature in individuals affected with PLEC-related conditions. ClinVar contains an entry for this variant (Variation ID: 2142187). Advanced modeling of protein sequence and biophysical properties (such as structural, functional, and spatial information, amino acid conservation, physicochemical variation, residue mobility, and thermodynamic stability) performed at Invitae indicates that this missense variant is not expected to disrupt PLEC protein function with a negative predictive value of 80%. In summary, the available evidence is currently insufficient to determine the role of this variant in disease. Therefore, it has been classified as a Variant of Uncertain Significance.